The following is an entry in ClinVar:

ClinVar aggregate classification (germline): Uncertain significance (1 of 4 stars; one submission).

gnomAD v4.1: 5 of 1,614,186 alleles (0.00031%); highest among the groups gnomAD compares: Non-Finnish European, 0.00042%; no homozygotes.

Submission:

Dasa
Classification: Uncertain significance. Last evaluated: 2026-06-29. Review status: criteria provided, single submitter. Criteria: DASA Assertion Criteria. Collection method: clinical testing. Allele origin: germline.
Comment: NM_001042424.3(NSD2):c.3909C>G (p.Phe1303Leu) is a missense variant that results in the substitution of phenylalanine with leucine. This variant is rare in population databases. The currently available literature and clinical evidence are not sufficient to establish a definitive association between this variant and the reported condition. Therefore, this variant is classified as a variant of uncertain significance.

NM_001042424.3(NSD2):c.3909C>G (p.Phe1303Leu)

Gene: NSD2 (nuclear receptor binding SET domain protein 2; plus strand). Cytogenetic location: 4p16.3.
Variant type: single nucleotide variant.
Coding change: c.3909C>G on transcript NM_001042424.3 (MANE Select); coding-DNA position 3909, C replaced by G.
Protein change: p.Phe1303Leu; replaces phenylalanine 1303 with leucine.
Molecular consequence: missense variant.
Genome position (GRCh38, 1-based): chr4:1,978,720, C>G. VCF-style: chr4-1978720-C-G. GRCh37 (hg19) VCF-style: chr4-1980447-C-G.
Other names: c.3909C>G, p.Phe1303Leu (NM_001440892.1, NM_133330.3, NM_133331.3 and 1 more transcripts); c.4008C>G, p.Phe1336Leu (NM_001440893.1); c.3792C>G, p.Phe1264Leu (NM_001440894.1); c.3762C>G, p.Phe1254Leu (NM_001440895.1); c.3708C>G, p.Phe1236Leu (NM_001440896.1); c.3702C>G, p.Phe1234Leu (NM_001440897.1); c.3585C>G, p.Phe1195Leu (NM_001440898.1); c.2940C>G, p.Phe980Leu (NM_001440899.1, NM_001440900.1); short protein forms F1195L, F1234L, F1236L, F1254L, F1264L, F1303L, F1336L, F980L.
Identifiers: ClinVar variation 5020290 (VCV005020290.1).
Genomic context (GRCh38, chr4:1,978,720, plus strand): 5'-TCATTGTGACGTGTGTGGCAAACCTTCGACTTCATTTTGCCACCTCTGCCCCAATTCGTT[C>G]TGTAAGGAGCACCAGGACGGGACAGCCTTCAGCTGCACCCCGGACGGGCGGTCCTACTGC-3'
Protein context (NP_001035889.1, residues 1293-1313): TSFCHLCPNS[Phe1303Leu]CKEHQDGTAF